The following is an entry in ClinVar:

ClinVar aggregate classification (germline): Uncertain significance (1 of 4 stars; one submission).

Conditions:
D-2-hydroxyglutaric aciduria 2 (D2HGA2). Identifiers: Orphanet 79315, MedGen C3150909, MONDO:0013345, OMIM 613657.

gnomAD v4.1: 30 of 1,614,008 alleles (0.0019%); highest among the groups gnomAD compares: African/African-American, 0.0027%; no homozygotes.

Submission:

Labcorp Genetics (formerly Invitae), Labcorp
Classification: Uncertain significance for D-2-hydroxyglutaric aciduria 2. Last evaluated: 2026-01-19. Review status: criteria provided, single submitter. Criteria: Invitae Variant Classification Sherloc (09022015). Collection method: clinical testing. Allele origin: germline.
Comment: This sequence change replaces valine, which is neutral and non-polar, with isoleucine, which is neutral and non-polar, at codon 147 of the IDH2 protein (p.Val147Ile). This variant is present in population databases (no rsID available, gnomAD 0.004%). This variant has not been reported in the literature in individuals affected with IDH2-related conditions. Invitae Evidence Modeling of protein sequence and biophysical properties (such as structural, functional, and spatial information, amino acid conservation, physicochemical variation, residue mobility, and thermodynamic stability) indicates that this missense variant is not expected to disrupt IDH2 protein function with a negative predictive value of 80%. In summary, the available evidence is currently insufficient to determine the role of this variant in disease. Therefore, it has been classified as a Variant of Uncertain Significance.

NM_002168.4(IDH2):c.439G>A (p.Val147Ile)

Gene: IDH2 (isocitrate dehydrogenase (NADP(+)) 2; minus strand). Cytogenetic location: 15q26.1.
Variant type: single nucleotide variant.
Coding change: c.439G>A on transcript NM_002168.4 (MANE Select); coding-DNA position 439, G replaced by A.
Protein change: p.Val147Ile; replaces valine 147 with isoleucine.
Molecular consequence: missense variant.
Genome position (GRCh38, 1-based): chr15:90,088,682, C>T on the plus strand (G>A on the coding strand, the complement: IDH2 is on the minus strand). VCF-style: chr15-90088682-C-T. GRCh37 (hg19) VCF-style: chr15-90631914-C-T.
Other names: c.283G>A, p.Val95Ile (NM_001289910.1); c.49G>A, p.Val17Ile (NM_001290114.2); short protein forms V147I, V17I, V95I.
Identifiers: ClinVar variation 4705618 (VCV004705618.1).
Genomic context (GRCh38, chr15:90,088,682, plus strand): 5'-GCTTGGTCCAGCCAGGGACTAGGCGTGGGATGTTTTTGCAGATGATGGGCTCCCGGAAGA[C>T]AGTCCCCCCCAGGATGTTCCGGATAGTTCCATTGGGACTTTTCCACATCTTCTTCAGCTT-3'
Protein context (NP_002159.2, residues 137-157): GTIRNILGGT[Val147Ile]FREPIICKNI